The following is an entry in ClinVar:

ClinVar aggregate classification (germline): Uncertain significance (1 of 4 stars; one submission).

Allele frequency attached by ClinVar (database versions not stated): gnomAD exomes below 0.00001; TOPMed below 0.00001.
gnomAD v4.1: 1 of 1,613,858 alleles (0.000062%); highest among the groups gnomAD compares: South Asian, 0.0011%; no homozygotes.

Submission:

Labcorp Genetics (formerly Invitae), Labcorp
Classification: Uncertain significance. Last evaluated: 2024-12-02. Review status: criteria provided, single submitter. Criteria: Invitae Variant Classification Sherloc (09022015). Collection method: clinical testing. Allele origin: germline.
Comment: This sequence change replaces valine, which is neutral and non-polar, with isoleucine, which is neutral and non-polar, at codon 507 of the TCIRG1 protein (p.Val507Ile). This variant is not present in population databases (gnomAD no frequency). This variant has not been reported in the literature in individuals affected with TCIRG1-related conditions. ClinVar contains an entry for this variant (Variation ID: 1348103). Invitae Evidence Modeling of protein sequence and biophysical properties (such as structural, functional, and spatial information, amino acid conservation, physicochemical variation, residue mobility, and thermodynamic stability) indicates that this missense variant is not expected to disrupt TCIRG1 protein function with a negative predictive value of 80%. In summary, the available evidence is currently insufficient to determine the role of this variant in disease. Therefore, it has been classified as a Variant of Uncertain Significance.

NM_006019.4(TCIRG1):c.1519G>A (p.Val507Ile)

Gene: TCIRG1 (T cell immune regulator 1, ATPase H+ transporting V0 subunit a3; plus strand). Cytogenetic location: 11q13.2.
Variant type: single nucleotide variant.
Coding change: c.1519G>A on transcript NM_006019.4 (MANE Select); coding-DNA position 1519, G replaced by A.
Protein change: p.Val507Ile; replaces valine 507 with isoleucine.
Molecular consequence: missense variant.
Genome position (GRCh38, 1-based): chr11:68,047,937, G>A. VCF-style: chr11-68047937-G-A. GRCh37 (hg19) VCF-style: chr11-67815404-G-A.
Other names: c.625G>A, p.Val209Ile (NM_001351059.2); c.871G>A, p.Val291Ile (NM_006053.4); short protein forms V209I, V507I, V291I.
Identifiers: ClinVar variation 1348103 (VCV001348103.6), dbSNP rs1466393887, ClinGen allele CA381584591.